The following is an entry in ClinVar:

ClinVar aggregate classification (germline): Uncertain significance (1 of 4 stars; one submission).

gnomAD v4.1: 4 of 1,614,114 alleles (0.00025%); highest among the groups gnomAD compares: African/African-American, 0.0013%; no homozygotes.

Submission:

Ambry Genetics
Classification: Uncertain significance. Last evaluated: 2025-06-06. Review status: criteria provided, single submitter. Criteria: Ambry Variant Classification Scheme 2023. Collection method: clinical testing. Allele origin: germline.
Comment: The p.N132S variant (also known as c.395A>G), located in coding exon 1 of the TET2 gene, results from an A to G substitution at nucleotide position 395. The asparagine at codon 132 is replaced by serine, an amino acid with highly similar properties. This amino acid position is conserved. In addition, this alteration is predicted to be tolerated by in silico analysis. Based on the available evidence, the clinical significance of this variant remains unclear.

NM_001127208.3(TET2):c.395A>G (p.Asn132Ser)

Genes: TET2 (tet methylcytosine dioxygenase 2; plus strand), TET2-AS1 (TET2 antisense RNA 1; minus strand). Cytogenetic location: 4q24.
Variant type: single nucleotide variant.
Coding change: c.395A>G on transcript NM_001127208.3 (MANE Select); coding-DNA position 395, A replaced by G.
Protein change: p.Asn132Ser; replaces asparagine 132 with serine.
Molecular consequence: missense variant.
Genome position (GRCh38, 1-based): chr4:105,234,337, A>G. VCF-style: chr4-105234337-A-G. GRCh37 (hg19) VCF-style: chr4-106155494-A-G.
Other names: c.395A>G, p.Asn132Ser (NM_017628.4); short protein forms N132S.
Identifiers: ClinVar variation 3967694 (VCV003967694.1).
Genomic context (GRCh38, chr4:105,234,337, plus strand): 5'-TGAAACAAGACCAAAAGGCTAATGGAGAAAGACGTAACTTCGGGGTAAGCCAAGAAAGAA[A>G]TCCAGGTGAAAGCAGTCAACCAAATGTCTCCGATTTGAGTGATAAGAAAGAATCTGTGAG-3'
Protein context (NP_001120680.1, residues 122-142): RRNFGVSQER[Asn132Ser]PGESSQPNVS